The following is an entry in ClinVar:

ClinVar aggregate classification (germline): Likely benign. Review status: criteria provided, single submitter (1 of 4 stars). 2 submissions from 2 submitters: Likely benign (1). 1 of the submissions does not count toward it. Last evaluated 2025-10-19.

Conditions:
FAT1-related disorder. Also called: FAT1-related condition.

Allele frequency attached by ClinVar (database versions not stated): gnomAD 0.00001; gnomAD exomes 0.00005; TOPMed 0.00007; ExAC 0.00010.
gnomAD v4.1: 30 of 1,613,906 alleles (0.0019%); highest among the groups gnomAD compares: Admixed American, 0.05%; no homozygotes.

Submissions (2):

Labcorp Genetics (formerly Invitae), Labcorp
Classification: Likely benign. Last evaluated: 2025-10-19. Review status: criteria provided, single submitter. Criteria: Invitae Variant Classification Sherloc (09022015). Collection method: clinical testing. Allele origin: germline.

PreventionGenetics, part of Exact Sciences
Classification: Likely benign for FAT1-related condition. Last evaluated: 2023-08-06. Review status: no assertion criteria provided. Collection method: clinical testing. Allele origin: germline. Not counted in ClinVar's aggregate classification.
Comment: This variant is classified as likely benign based on ACMG/AMP sequence variant interpretation guidelines (Richards et al. 2015 PMID: 25741868, with internal and published modifications).

NM_005245.4(FAT1):c.5724A>T (p.Ser1908=)

Gene: FAT1 (FAT atypical cadherin 1; minus strand). Cytogenetic location: 4q35.2.
Variant type: single nucleotide variant.
Coding change: c.5724A>T on transcript NM_005245.4 (MANE Select); coding-DNA position 5724, A replaced by T.
Protein change: p.Ser1908=; no amino-acid change (serine 1908 retained).
Molecular consequence: synonymous variant.
Genome position (GRCh38, 1-based): chr4:186,620,862, T>A on the plus strand (A>T on the coding strand, the complement: FAT1 is on the minus strand). VCF-style: chr4-186620862-T-A. GRCh37 (hg19) VCF-style: chr4-187542016-T-A.
Other names: c.5724A>T (NM_005245.3).
Identifiers: ClinVar variation 2150420 (VCV002150420.6), dbSNP rs751859382, ClinGen allele CA3166405.